The following is an entry in ClinVar:

ClinVar aggregate classification (germline): Pathogenic. Review status: criteria provided, multiple submitters, no conflicts (2 of 4 stars). 5 submissions from 5 submitters: Pathogenic (5). Last evaluated 2025-12-22.

Conditions:
Cardiovascular phenotype. Identifiers: MedGen CN230736.
Cardiomyopathy (CMYO). Also called: Cardiomyopathies. Identifiers: Orphanet 167848, MedGen C0878544, MONDO:0004994, HP:0001638. Inheritance: Various modes of inheritance.
Primary familial hypertrophic cardiomyopathy (HCM). Identifiers: Orphanet 99739, MedGen C0949658, MeSH D024741, MONDO:0024573. Inheritance: Various modes of inheritance.
Hypertrophic cardiomyopathy. Also called: HYPERTROPHIC MYOCARDIOPATHY. Identifiers: Orphanet 217569, MedGen C0007194, MeSH D002312, MONDO:0005045, HP:0001639.

Submissions (5):

Petrovsky National Research Centre of Surgery, The Federal Agency for Scientific Organizations
Classification: Pathogenic for Primary familial hypertrophic cardiomyopathy. Last evaluated: 2025-12-22. Review status: criteria provided, single submitter. Criteria: ACMG Guidelines, 2015. Collection method: clinical testing. Allele origin: germline. Affected: yes. Observed: 1 variant allele.
Comment: The variant is not in The Genome Aggregation Database (gnomAD) v4.1.0. (Date of access 2025-12-22). In accordance with ACMG (2015) criteria this variant is classified as pathogenic (V) with following criteria selected: PVS1, PM2, PS4_Supporting.

Labcorp Genetics (formerly Invitae), Labcorp
Classification: Pathogenic for Hypertrophic cardiomyopathy. Last evaluated: 2024-05-25. Review status: criteria provided, single submitter. Criteria: Invitae Variant Classification Sherloc (09022015). Collection method: clinical testing. Allele origin: germline.
Comment: This sequence change creates a premature translational stop signal (p.Asp1027Lysfs*24) in the MYBPC3 gene. It is expected to result in an absent or disrupted protein product. Loss-of-function variants in MYBPC3 are known to be pathogenic (PMID: 19574547). Information on the frequency of this variant in the gnomAD database is not available, as this variant may be reported differently in the database. This variant has not been reported in the literature in individuals affected with MYBPC3-related conditions. For these reasons, this variant has been classified as Pathogenic.

Ambry Genetics
Classification: Pathogenic for Cardiovascular phenotype. Last evaluated: 2023-04-19. Review status: criteria provided, single submitter. Criteria: Ambry Variant Classification Scheme 2023. Collection method: clinical testing. Allele origin: germline.
Comment: The c.3079delGinsAA pathogenic mutation, located in coding exon 29 of the MYBPC3 gene, results from the deletion of one nucleotide and insertion of two nucleotides causing a translational frameshift with a predicted alternate stop codon (p.D1027Kfs*24). This variant has been detected in individuals or cohorts reported to have hypertrophic cardiomyopathy (Ho CY et al. Nat Med. 2021 Oct;27(10):1818-1824; Ambry internal data). This variant is considered to be rare based on population cohorts in the Genome Aggregation Database (gnomAD). This alteration is expected to result in loss of function by premature protein truncation or nonsense-mediated mRNA decay. As such, this alteration is interpreted as a disease-causing mutation.

CHEO Genetics Diagnostic Laboratory, Children's Hospital of Eastern Ontario
Classification: Pathogenic for Cardiomyopathy. Last evaluated: 2016-12-05. Review status: criteria provided, single submitter. Criteria: ACMG Guidelines, 2015. Collection method: clinical testing. Allele origin: germline. Study: Canadian Open Genetics Repository.

GeneDx
Classification: Pathogenic. Last evaluated: 2014-08-11. Review status: criteria provided, single submitter. Criteria: GeneDx Variant Classification (06012015). Collection method: clinical testing. Allele origin: germline. Affected: yes.
Comment: Although the c.3079delinsAA variant in the MYBPC3 gene has not been reported to our knowledge, this variant causes a shift in reading frame starting at codon Aspartic acid 1027, changing it to a Lysine, and creating a premature stop codon at position 24 of the new reading frame, denoted p.Asp1027LysfsX24. This variant is expected to result in either an abnormal, truncated protein product or loss of protein from this allele through nonsense-mediated mRNA decay. Other frameshift variants in the MYBPC3 gene have been reported in association with cardiomyopathy. Furthermore, the c.3079delinsAA variant was not observed in approximately 6,500 individuals of European and African American ancestry in the NHLBI Exome Sequencing Project, indicating it is not a common benign variant in these populations. In summary, c.3079delinsAA in the MYBPC3 gene is interpreted as a pathogenic variant.

Literature cited by the submitters: PubMed 19574547 (cited by Labcorp Genetics (formerly Invitae), Labcorp); PubMed 28241245 (cited by Ambry Genetics); PubMed 34556856 (cited by Ambry Genetics).

NC_000011.10:g.47333668delinsTT

Gene: MYBPC3 (myosin binding protein C3; minus strand). Cytogenetic location: 11p11.2.
Variant type: Indel.
Molecular consequence: frameshift variant (on NM_000256.3).
Genome position: GRCh38 VCF-style: chr11-47333668-C-TT. GRCh37 (hg19) VCF-style: chr11-47355219-C-TT.
Other names: c.3079delGinsAA (NM_000256.3); c.3079G>AA (NM_000256.3).
Identifiers: ClinVar variation 181093 (VCV000181093.11), dbSNP rs730880666, ClinGen allele CA296432.